The following is an entry in ClinVar:

ClinVar aggregate classification (germline): Uncertain significance (1 of 4 stars; one submission).

Conditions:
Inborn genetic diseases. Identifiers: MedGen C0950123, MeSH D030342.

Submission:

Ambry Genetics
Classification: Uncertain significance for Inborn genetic diseases. Last evaluated: 2025-06-06. Review status: criteria provided, single submitter. Criteria: Ambry Variant Classification Scheme 2023. Collection method: clinical testing. Allele origin: germline.
Comment: The p.D475G variant (also known as c.1424A>G), located in coding exon 12 of the ASXL1 gene, results from an A to G substitution at nucleotide position 1424. The aspartic acid at codon 475 is replaced by glycine, an amino acid with similar properties. This amino acid position is conserved. In addition, this alteration is predicted to be tolerated by in silico analysis. Based on the available evidence, the clinical significance of this variant remains unclear.

NM_015338.6(ASXL1):c.1424A>G (p.Asp475Gly)

Gene: ASXL1 (ASXL transcriptional regulator 1; plus strand). Cytogenetic location: 20q11.21.
Variant type: single nucleotide variant.
Coding change: c.1424A>G on transcript NM_015338.6 (MANE Select); coding-DNA position 1424, A replaced by G.
Protein change: p.Asp475Gly; replaces aspartic acid 475 with glycine.
Molecular consequence: missense variant.
Genome position (GRCh38, 1-based): chr20:32,433,622, A>G. VCF-style: chr20-32433622-A-G. GRCh37 (hg19) VCF-style: chr20-31021425-A-G.
Other names: c.1241A>G, p.Asp414Gly (NM_001363734.1); short protein forms D414G, D475G.
Identifiers: ClinVar variation 3957655 (VCV003957655.1).